The following is an entry in ClinVar:

ClinVar aggregate classification (germline): Uncertain significance (1 of 4 stars; one submission).

Allele frequency attached by ClinVar (database versions not stated): gnomAD exomes below 0.00001.
gnomAD v4.1: 1 of 1,610,184 alleles (0.000062%); highest among the groups gnomAD compares: Middle Eastern, 0.017%; no homozygotes.

Submission:

Ambry Genetics
Classification: Uncertain significance. Last evaluated: 2023-11-30. Review status: criteria provided, single submitter. Criteria: Ambry Variant Classification Scheme 2023. Collection method: clinical testing. Allele origin: germline.
Comment: The p.Y140H variant (also known as c.418T>C), located in coding exon 4 of the KIF1B gene, results from a T to C substitution at nucleotide position 418. The tyrosine at codon 140 is replaced by histidine, an amino acid with similar properties. This amino acid position is highly conserved in available vertebrate species. In addition, the in silico prediction for this alteration is inconclusive. Since supporting evidence is limited at this time, the clinical significance of this alteration remains unclear.

NM_001365951.3(KIF1B):c.418T>C (p.Tyr140His)

Genes: KIF1B (kinesin family member 1B; plus strand), LOC129388447 (MPRA-validated peak65 silencer; plus strand). Cytogenetic location: 1p36.22.
Variant type: single nucleotide variant.
Coding change: c.418T>C on transcript NM_001365951.3 (MANE Select); coding-DNA position 418, T replaced by C.
Protein change: p.Tyr140His; replaces tyrosine 140 with histidine.
Molecular consequence: missense variant.
Genome position (GRCh38, 1-based): chr1:10,261,959, T>C. VCF-style: chr1-10261959-T-C. GRCh37 (hg19) VCF-style: chr1-10322017-T-C.
Other names: c.418T>C, p.Tyr140His (NM_001365952.1, NM_001365953.1, NM_015074.3 and 1 more transcripts); short protein forms Y140H.
Identifiers: ClinVar variation 1738565 (VCV001738565.2), dbSNP rs2520967770, ClinGen allele CA338327181.